The following is an entry in ClinVar:

NM_002335.4(LRP5):c.2537C>T (p.Pro846Leu)

Gene: LRP5 (LDL receptor related protein 5; plus strand). Cytogenetic location: 11q13.2.
Variant type: single nucleotide variant.
Coding change: c.2537C>T on transcript NM_002335.4 (MANE Select); coding-DNA position 2537, C replaced by T.
Protein change: p.Pro846Leu; replaces proline 846 with leucine.
Molecular consequence: missense variant.
Genome position (GRCh38, 1-based): chr11:68,413,722, C>T. VCF-style: chr11-68413722-C-T. GRCh37 (hg19) VCF-style: chr11-68181190-C-T.
Other names: c.794C>T, p.Pro265Leu (NM_001291902.2); short protein forms P846L, P265L.
Identifiers: ClinVar variation 1974169 (VCV001974169.6), dbSNP rs2098660863, ClinGen allele CA381618192.
Genomic context (GRCh38, chr11:68,413,722, plus strand): 5'-ACACCGTGCCCGTGTGTGTTCATGCAGGTCAGGAGCGGGTCGTGATTGCCGACGATCTCC[C>T]GCACCCGTTCGGTCTGACGCAGTACAGCGATTATATCTACTGGACAGACTGGAATCTGCA-3'
Protein context (NP_002326.2, residues 836-856): QERVVIADDL[Pro846Leu]HPFGLTQYSD

ClinVar aggregate classification (germline): Uncertain significance. Review status: criteria provided, multiple submitters, no conflicts (2 of 4 stars). 2 submissions from 2 submitters: Uncertain significance (2). Last evaluated 2025-08-15.

Allele frequency attached by ClinVar (database versions not stated): TOPMed below 0.00001; gnomAD 0.00001; gnomAD exomes 0.00001.
gnomAD v4.1: 9 of 1,613,598 alleles (0.00056%); highest among the groups gnomAD compares: African/African-American, 0.0013%; no homozygotes.

Submissions (2):

Labcorp Genetics (formerly Invitae), Labcorp
Classification: Uncertain significance. Last evaluated: 2025-08-15. Review status: criteria provided, single submitter. Criteria: Invitae Variant Classification Sherloc (09022015). Collection method: clinical testing. Allele origin: germline.
Comment: This sequence change replaces proline, which is neutral and non-polar, with leucine, which is neutral and non-polar, at codon 846 of the LRP5 protein (p.Pro846Leu). This variant is not present in population databases (gnomAD no frequency). This variant has not been reported in the literature in individuals affected with LRP5-related conditions. ClinVar contains an entry for this variant (Variation ID: 1974169). Invitae Evidence Modeling of protein sequence and biophysical properties (such as structural, functional, and spatial information, amino acid conservation, physicochemical variation, residue mobility, and thermodynamic stability) indicates that this missense variant is not expected to disrupt LRP5 protein function with a negative predictive value of 95%. In summary, the available evidence is currently insufficient to determine the role of this variant in disease. Therefore, it has been classified as a Variant of Uncertain Significance.

Blueprint Genetics
Classification: Uncertain significance. Last evaluated: 2024-11-26. Review status: criteria provided, single submitter. Criteria: ACMG Guidelines, 2015. Collection method: clinical testing. Allele origin: germline.